The following is an entry in ClinVar:

ClinVar aggregate classification (germline): Likely pathogenic (1 of 4 stars; one submission).

Conditions:
Smith-Lemli-Opitz syndrome (SLOS). Also called: LETHAL ACRODYSGENITAL SYNDROME; POLYDACTYLY, SEX REVERSAL, RENAL HYPOPLASIA, AND UNILOBAR LUNG; RSH SYNDROME; RUTLEDGE LETHAL MULTIPLE CONGENITAL ANOMALY SYNDROME; 7-Dehydrocholesterol reductase deficiency. Identifiers: Orphanet 818, MedGen C0175694, MONDO:0010035, OMIM 270400.

Submission:

Labcorp Genetics (formerly Invitae), Labcorp
Classification: Likely pathogenic for Smith-Lemli-Opitz syndrome. Last evaluated: 2022-02-06. Review status: criteria provided, single submitter. Criteria: Invitae Variant Classification Sherloc (09022015). Collection method: clinical testing. Allele origin: germline.
Comment: In summary, the currently available evidence indicates that the variant is pathogenic, but additional data are needed to prove that conclusively. Therefore, this variant has been classified as Likely Pathogenic. Algorithms developed to predict the effect of missense changes on protein structure and function (SIFT, PolyPhen-2, Align-GVGD) all suggest that this variant is likely to be disruptive. This missense change has been observed in individual(s) with Smith-Lemli-Opitz syndrome (PMID: 15521979). In at least one individual the data is consistent with being in trans (on the opposite chromosome) from a pathogenic variant. This variant is not present in population databases (gnomAD no frequency). This sequence change replaces isoleucine, which is neutral and non-polar, with asparagine, which is neutral and polar, at codon 178 of the DHCR7 protein (p.Ile178Asn).

Literature cited by the submitters: PubMed 15521979.

NM_001360.3(DHCR7):c.533T>A (p.Ile178Asn)

Gene: DHCR7 (7-dehydrocholesterol reductase; minus strand). Cytogenetic location: 11q13.4.
Variant type: single nucleotide variant.
Coding change: c.533T>A on transcript NM_001360.3 (MANE Select); coding-DNA position 533, T replaced by A.
Protein change: p.Ile178Asn; replaces isoleucine 178 with asparagine.
Molecular consequence: missense variant.
Genome position (GRCh38, 1-based): chr11:71,441,320, A>T on the plus strand (T>A on the coding strand, the complement: DHCR7 is on the minus strand). VCF-style: chr11-71441320-A-T. GRCh37 (hg19) VCF-style: chr11-71152366-A-T.
Other names: c.533T>A, p.Ile178Asn (NM_001163817.2); short protein forms I178N.
Identifiers: ClinVar variation 2137194 (VCV002137194.4), dbSNP rs2539227981, ClinGen allele CA381694480.